The following is an entry in ClinVar:

ClinVar aggregate classification (germline): Uncertain significance (1 of 4 stars; one submission).

Submission:

Ambry Genetics
Classification: Uncertain significance. Last evaluated: 2024-12-08. Review status: criteria provided, single submitter. Criteria: Ambry Variant Classification Scheme 2023. Collection method: clinical testing. Allele origin: germline.
Comment: The p.G1284S variant (also known as c.3850G>A), located in coding exon 14 of the CDK12 gene, results from a G to A substitution at nucleotide position 3850. The glycine at codon 1284 is replaced by serine, an amino acid with similar properties. This amino acid position is conserved. In addition, this alteration is predicted to be tolerated by in silico analysis. Based on the available evidence, the clinical significance of this variant remains unclear.

NM_016507.4(CDK12):c.3850G>A (p.Gly1284Ser)

Gene: CDK12 (cyclin dependent kinase 12; plus strand). Cytogenetic location: 17q12.
Variant type: single nucleotide variant.
Coding change: c.3850G>A on transcript NM_016507.4 (MANE Select); coding-DNA position 3850, G replaced by A.
Protein change: p.Gly1284Ser; replaces glycine 1284 with serine.
Molecular consequence: missense variant.
Genome position (GRCh38, 1-based): chr17:39,530,693, G>A. VCF-style: chr17-39530693-G-A. GRCh37 (hg19) VCF-style: chr17-37686946-G-A.
Other names: c.3823G>A, p.Gly1275Ser (NM_015083.4); short protein forms G1275S, G1284S.
Identifiers: ClinVar variation 3489382 (VCV003489382.1).
Genomic context (GRCh38, chr17:39,530,693, plus strand): 5'-AAGAGGCCCCCTGAGCCCCCCGGACCTCCACCGCCGCCACCTCCACCCCCTCTGGTTGAA[G>A]GCGATCTTTCCAGCGCCCCCCAGGAGTTGAACCCAGCCGTGACAGCCGCCTTGCTGCAAC-3'
Protein context (NP_057591.2, residues 1274-1294): PPPPPPPLVE[Gly1284Ser]DLSSAPQELN